The following is an entry in ClinVar:

NM_144997.7(FLCN):c.595G>A (p.Glu199Lys)

Gene: FLCN (folliculin; minus strand). Cytogenetic location: 17p11.2.
Variant type: single nucleotide variant.
Coding change: c.595G>A on transcript NM_144997.7 (MANE Select); coding-DNA position 595, G replaced by A.
Protein change: p.Glu199Lys; replaces glutamic acid 199 with lysine.
Molecular consequence: missense variant.
Genome position (GRCh38, 1-based): chr17:17,223,945, C>T on the plus strand (G>A on the coding strand, the complement: FLCN is on the minus strand). VCF-style: chr17-17223945-C-T. GRCh37 (hg19) VCF-style: chr17-17127259-C-T.
Other names: c.649G>A, p.Glu217Lys (NM_001353229.2); c.595G>A, p.Glu199Lys (NM_001353230.2, NM_001353231.2, NM_144606.7); short protein forms E199K, E217K.
Identifiers: ClinVar variation 2139837 (VCV002139837.6), dbSNP rs2144971888, ClinGen allele CA398534219.

ClinVar aggregate classification (germline): Uncertain significance. Review status: criteria provided, multiple submitters, no conflicts (2 of 4 stars). 2 submissions from 2 submitters: Uncertain significance (2). Last evaluated 2023-11-20.

Conditions:
Birt-Hogg-Dube syndrome. Also called: Birt Hogg Dubé syndrome. Identifiers: Orphanet 122, MedGen C0346010, MONDO:0800444.
Hereditary cancer-predisposing syndrome. Also called: Tumor predisposition; Hereditary Cancer Syndrome; Hereditary neoplastic syndrome; Neoplastic Syndromes, Hereditary. Identifiers: Orphanet 140162, MedGen C0027672, MeSH D009386, MONDO:0015356.

Allele frequency attached by ClinVar (database versions not stated): gnomAD exomes below 0.00001.
gnomAD v4.1: 2 of 1,613,416 alleles (0.00012%); highest among the groups gnomAD compares: Non-Finnish European, 0.00017%; no homozygotes.

Submissions (2):

Labcorp Genetics (formerly Invitae), Labcorp
Classification: Uncertain significance for Birt-Hogg-Dube syndrome. Last evaluated: 2023-11-20. Review status: criteria provided, single submitter. Criteria: Invitae Variant Classification Sherloc (09022015). Collection method: clinical testing. Allele origin: germline.
Comment: This sequence change replaces glutamic acid, which is acidic and polar, with lysine, which is basic and polar, at codon 199 of the FLCN protein (p.Glu199Lys). This variant is not present in population databases (gnomAD no frequency). This variant has not been reported in the literature in individuals affected with FLCN-related conditions. ClinVar contains an entry for this variant (Variation ID: 2139837). Advanced modeling of protein sequence and biophysical properties (such as structural, functional, and spatial information, amino acid conservation, physicochemical variation, residue mobility, and thermodynamic stability) performed at Invitae indicates that this missense variant is not expected to disrupt FLCN protein function with a negative predictive value of 80%. In summary, the available evidence is currently insufficient to determine the role of this variant in disease. Therefore, it has been classified as a Variant of Uncertain Significance.

Ambry Genetics
Classification: Uncertain significance for Hereditary cancer-predisposing syndrome. Last evaluated: 2023-05-30. Review status: criteria provided, single submitter. Criteria: Ambry Variant Classification Scheme 2023. Collection method: clinical testing. Allele origin: germline.
Comment: The p.E199K variant (also known as c.595G>A), located in coding exon 3 of the FLCN gene, results from a G to A substitution at nucleotide position 595. The glutamic acid at codon 199 is replaced by lysine, an amino acid with similar properties. This amino acid position is not well conserved in available vertebrate species. In addition, the in silico prediction for this alteration is inconclusive. Since supporting evidence is limited at this time, the clinical significance of this alteration remains unclear.